The following is an entry in ClinVar:

NM_001527.4(HDAC2):c.1334del (p.Ala445fs)

Gene: HDAC2 (histone deacetylase 2; minus strand). Cytogenetic location: 6q21.
Variant type: Deletion.
Coding change: c.1334del on transcript NM_001527.4 (MANE Select); coding-DNA position 1334, one base deleted (C; older notation c.1334delC).
Protein change: p.Ala445fs; shifts the reading frame from alanine 445.
Molecular consequence: frameshift variant. On other transcripts: non-coding transcript variant (2).
Genome position (GRCh38, 1-based): chr6:113,943,395, G deleted on the plus strand (C on the coding strand, the reverse complement: HDAC2 is on the minus strand). VCF-style (leftmost placement, unchanged base first): chr6-113943394-AG-A. GRCh37 (hg19) VCF-style: chr6-114264558-AG-A.
Other names: short protein forms A445fs.
Identifiers: ClinVar variation 4879199 (VCV004879199.1).

ClinVar aggregate classification (germline): Uncertain significance (1 of 4 stars; one submission).

Conditions:
HDAC-related disorder.

Submission:

Clinical Genomics Laboratory, Washington University in St. Louis
Classification: Uncertain significance for HDAC-related disorder. Last evaluated: 2025-10-10. Review status: criteria provided, single submitter. Criteria: ACMG Guidelines, 2015. Collection method: clinical testing. Allele origin: germline.
Comment: The HDAC2 c.1334del (p.Ala445Valfs*61) variant, to our knowledge, has not been reported in the medical literature and is absent from the general population (gnomAD v.2.1.1), indicating it is not a common variant. However, according to communication with researchers at the University of Montreal, at least 10 individuals with de novo frameshift variants in this region have been described in individuals with global developmental delay, intellectual disability, hypotonia, and some with abnormal brain MRIs. This variant causes a frameshift by deleting a single nucleotide, leading to a premature termination codon, which is predicted to lead to nonsense-mediated decay. Due to limited information, the clinical significance of this variant is uncertain.

Literature cited by the submitters: PubMed 38753158; PubMed 27620904; PubMed 30806031.